The following is an entry in ClinVar:

ClinVar aggregate classification (germline): Uncertain significance (1 of 4 stars; one submission).

Allele frequency attached by ClinVar (database versions not stated): gnomAD exomes below 0.00001 and 0.00001; gnomAD 0.00001; TOPMed 0.00001.

Submission:

Labcorp Genetics (formerly Invitae), Labcorp
Classification: Uncertain significance. Last evaluated: 2024-01-06. Review status: criteria provided, single submitter. Criteria: Invitae Variant Classification Sherloc (09022015). Collection method: clinical testing. Allele origin: germline.
Comment: This sequence change falls in intron 33 of the COL2A1 gene. It does not directly change the encoded amino acid sequence of the COL2A1 protein. It affects a nucleotide within the consensus splice site. This variant is present in population databases (no rsID available, gnomAD 0.003%). This variant has not been reported in the literature in individuals affected with COL2A1-related conditions. ClinVar contains an entry for this variant (Variation ID: 1377225). Variants that disrupt the consensus splice site are a relatively common cause of aberrant splicing (PMID: 17576681, 9536098). Algorithms developed to predict the effect of sequence changes on RNA splicing suggest that this variant may disrupt the consensus splice site. In summary, the available evidence is currently insufficient to determine the role of this variant in disease. Therefore, it has been classified as a Variant of Uncertain Significance.

Literature cited by the submitters: PubMed 17576681; PubMed 9536098.

NM_001844.5(COL2A1):c.2193+6T>G

Gene: COL2A1 (collagen type II alpha 1 chain; minus strand). Cytogenetic location: 12q13.11.
Variant type: single nucleotide variant.
Coding change: c.2193+6T>G on transcript NM_001844.5 (MANE Select); 6 bases into the intron after coding-DNA position 2193, T replaced by G.
Molecular consequence: intron variant.
Genome position (GRCh38, 1-based): chr12:47,982,842, A>C on the plus strand (T>G on the coding strand, the complement: COL2A1 is on the minus strand). VCF-style: chr12-47982842-A-C. GRCh37 (hg19) VCF-style: chr12-48376625-A-C.
Other names: c.1986+6T>G (NM_033150.3).
Identifiers: ClinVar variation 1377225 (VCV001377225.4), dbSNP rs1324792540, ClinGen allele CA604850806.